The following is an entry in ClinVar:

NM_012154.5(AGO2):c.1864C>G (p.Pro622Ala)

Gene: AGO2 (argonaute RISC catalytic component 2; minus strand). Cytogenetic location: 8q24.3.
Variant type: single nucleotide variant.
Coding change: c.1864C>G on transcript NM_012154.5 (MANE Select); coding-DNA position 1864, C replaced by G.
Protein change: p.Pro622Ala; replaces proline 622 with alanine.
Molecular consequence: missense variant.
Genome position (GRCh38, 1-based): chr8:140,541,334, G>C on the plus strand (C>G on the coding strand, the complement: AGO2 is on the minus strand). VCF-style: chr8-140541334-G-C. GRCh37 (hg19) VCF-style: chr8-141551433-G-C.
Other names: c.1864C>G, p.Pro622Ala (NM_001164623.3); short protein forms P622A.
Identifiers: ClinVar variation 5018250 (VCV005018250.1).

ClinVar aggregate classification (germline): Uncertain significance (1 of 4 stars; one submission).

Submission:

GeneDx
Classification: Uncertain significance. Last evaluated: 2026-04-10. Review status: criteria provided, single submitter. Criteria: GeneDx Variant Classification Process June 2021. Collection method: clinical testing. Allele origin: germline.
Comment: Not observed at significant frequency in large population cohorts (gnomAD); In silico analysis supports that this missense variant has a deleterious effect on protein structure/function; Has not been previously published as pathogenic or benign to our knowledge